The following is an entry in ClinVar:

NM_012309.5(SHANK2):c.2001C>T (p.Ser667=)

Gene: SHANK2 (SH3 and multiple ankyrin repeat domains 2; minus strand). Cytogenetic location: 11q13.4.
Variant type: single nucleotide variant.
Coding change: c.2001C>T on transcript NM_012309.5 (MANE Select); coding-DNA position 2001, C replaced by T.
Protein change: p.Ser667=; no amino-acid change (serine 667 retained).
Molecular consequence: synonymous variant. On other transcripts: non-coding transcript variant (1).
Genome position (GRCh38, 1-based): chr11:70,659,888, G>A on the plus strand (C>T on the coding strand, the complement: SHANK2 is on the minus strand). VCF-style: chr11-70659888-G-A. GRCh37 (hg19) VCF-style: chr11-70505993-G-A.
Other names: c.864C>T, p.Ser288= (NM_001379226.1); c.237C>T, p.Ser79= (NM_133266.5).
Identifiers: ClinVar variation 677092 (VCV000677092.18), dbSNP rs199845489, ClinGen allele CA6161641.
Genomic context (GRCh38, chr11:70,659,888, plus strand): 5'-CTCAATCAAGAAGTCCCCGGTCCTTAGTCCGGCTTGCCACGCCACCCCACCTTCATCCAC[G>A]GACTCCAGGTACTGTAGGGCTGGGAAAGCCGGTGTTGGTGTGAATTCTTCAATGGGTGTG-3'
Protein context (NP_036441.2, residues 657-677): PAFPALQYLE[Ser667=]VDEGGVAWQA

ClinVar aggregate classification (germline): Likely benign. Review status: criteria provided, multiple submitters, no conflicts (2 of 4 stars). 2 submissions from 2 submitters: Likely benign (2). Last evaluated 2024-07-01.

Allele frequency attached by ClinVar (database versions not stated): ESP Exome Variant Server 0.00008; TOPMed 0.00008; ExAC 0.00009; gnomAD exomes 0.00009 and 0.00012; gnomAD 0.00011.
gnomAD v4.1: 191 of 1,614,134 alleles (0.012%); highest among the groups gnomAD compares: Non-Finnish European, 0.015%; no homozygotes.

Submissions (2):

CeGaT Center for Human Genetics Tuebingen
Classification: Likely benign. Last evaluated: 2024-07-01. Review status: criteria provided, single submitter. Criteria: CeGaT Center For Human Genetics Tuebingen Variant Classification Criteria Version 2. Collection method: clinical testing. Allele origin: germline. Affected: yes. Observed: 1 variant allele.
Comment: SHANK2: BP4, BP7

GeneDx
Classification: Likely benign. Last evaluated: 2015-12-29. Review status: criteria provided, single submitter. Criteria: GeneDx Variant Classification (06012015). Collection method: clinical testing. Allele origin: germline. Affected: yes.
Comment: This variant is considered likely benign or benign based on one or more of the following criteria: it is a conservative change, it occurs at a poorly conserved position in the protein, it is predicted to be benign by multiple in silico algorithms, and/or has population frequency not consistent with disease.